The following is an entry in ClinVar:

ClinVar aggregate classification (germline): Pathogenic/Likely pathogenic. Review status: criteria provided, multiple submitters, no conflicts (2 of 4 stars). 3 submissions from 3 submitters: Pathogenic (1); Likely pathogenic (2). Last evaluated 2022-11-09.

Conditions:
Familial thoracic aortic aneurysm and aortic dissection (TAAD). Also called: Thoracic aortic aneurysms and dissections. Identifiers: Orphanet 91387, MedGen C4707243, MONDO:0019625.
Marfan syndrome (MFS). Also called: FBN1-Related Marfan Syndrome; Marfan's syndrome; MARFAN SYNDROME, TYPE I; Marfan syndrome type 1; Marfan syndrome, classic. Identifiers: Orphanet 284963, Orphanet 558, MedGen C0024796, MONDO:0007947, OMIM 154700.
FBN1-related disorder. Also called: FBN1-related disorders.

Submissions (3):

Blueprint Genetics
Classification: Likely pathogenic for FBN1-related disorders. Last evaluated: 2022-11-09. Review status: criteria provided, single submitter. Criteria: ACMG Guidelines, 2015. Collection method: clinical testing. Allele origin: germline. Affected: yes. Observed: 1 variant allele.

Labcorp Genetics (formerly Invitae), Labcorp
Classification: Pathogenic for Marfan syndrome; Familial thoracic aortic aneurysm and aortic dissection. Last evaluated: 2022-07-19. Review status: criteria provided, single submitter. Criteria: Invitae Variant Classification Sherloc (09022015). Collection method: clinical testing. Allele origin: germline.
Comment: This missense change has been observed in individual(s) with clinical features of Marfan syndrome (Invitae). For these reasons, this variant has been classified as Pathogenic. This variant disrupts the p.Cys168 amino acid residue in FBN1. Other variant(s) that disrupt this residue have been observed in individuals with FBN1-related conditions (PMID: 17679947, 22034023, 25907466), which suggests that this may be a clinically significant amino acid residue. This variant affects a cysteine residue in the EGF-like, TGFBP or hybrid motif domains of FBN1. Cysteine residues are believed to be involved in intramolecular disulfide bridges and have been shown to be important for FBN1 protein structure (PMID: 16905551, 19349279). In addition, missense substitutions affecting cysteine residues within these domains are significantly overrepresented among patients with Marfan syndrome (PMID: 16571647, 17701892). Advanced modeling of protein sequence and biophysical properties (such as structural, functional, and spatial information, amino acid conservation, physicochemical variation, residue mobility, and thermodynamic stability) performed at Invitae indicates that this missense variant is expected to disrupt FBN1 protein function. ClinVar contains an entry for this variant (Variation ID: 812041). This variant is not present in population databases (gnomAD no frequency). This sequence change replaces cysteine, which is neutral and slightly polar, with tyrosine, which is neutral and polar, at codon 168 of the FBN1 protein (p.Cys168Tyr).

ARUP Laboratories, Molecular Genetics and Genomics, ARUP Laboratories
Classification: Likely pathogenic. Last evaluated: 2019-05-16. Review status: criteria provided, single submitter. Criteria: ARUP Molecular Germline Variant Investigation Process. Collection method: clinical testing. Allele origin: germline.
Comment: The FBN1 c.503G>A; p.Cys168Tyr variant, to our knowledge, is not reported in the medical literature or gene specific databases. This variant is also absent from general population databases (Exome Variant Server, Genome Aggregation Database), indicating it is not a common polymorphism. This variant occurs in a cysteine residue in one of the calcium binding EGF-like domains of fibrillin-1 (Wu 1995). Each EGF-like domain contains six highly-conserved cysteines and the disulfide bridges formed between these residues are essential for protein folding; loss of one of these cysteines may interfere with proper disulfide bridge formation, disrupting protein structure. Accordingly, the revised Ghent nosology for Marfan syndrome lists missense variants of cysteine residues as one of the criteria for classification of a variant as pathogenic (Loeys 2010). Additionally, other amino acid substitutions at this codon (Arg, Gly, Trp) have been reported in individuals with Marfan syndrome and/or ectopia lentis, and are considered pathogenic or likely pathogenic (Jin 2007, Milla 2012, Proost 2015). Based on available information, the p.Cys168Tyr variant is considered to be likely pathogenic. References: Jin C et al. Novel FBN1 mutations associated with predominant ectopia lentis and marfanoid habitus in Chinese patients. Mol Vis. 2007 Jul 24;13:1280-4. Loeys et al. The revised Ghent nosology for the Marfan syndrome. J. Med. Genet. 2010 47(7): 476-85. Milla E et al. Novel FBN1 mutation causes Marfan syndrome with bilateral ectopia lentis and refractory glaucoma. Eur J Ophthalmol. 2012 Jul-Aug;22(4):667-9. Proost D et al. Performant Mutation Identification Using Targeted Next-Generation Sequencing of 14 Thoracic Aortic Aneurysm Genes. Hum Mutat. 2015 Aug;36(8):808-14. Wu et al. Fibrillin domain folding and calcium binding: significance to Marfan syndrome. Chem. Biol. 1995 2(2):91-7.

Literature cited by the submitters: PubMed 17679947 (cited by Labcorp Genetics (formerly Invitae), Labcorp); PubMed 22034023 (cited by Labcorp Genetics (formerly Invitae), Labcorp); PubMed 25907466 (cited by Labcorp Genetics (formerly Invitae), Labcorp); PubMed 16905551 (cited by Labcorp Genetics (formerly Invitae), Labcorp); PubMed 19349279 (cited by Labcorp Genetics (formerly Invitae), Labcorp); PubMed 16571647 (cited by Labcorp Genetics (formerly Invitae), Labcorp); PubMed 17701892 (cited by Labcorp Genetics (formerly Invitae), Labcorp).

NM_000138.5(FBN1):c.503G>A (p.Cys168Tyr)

Gene: FBN1 (fibrillin 1; minus strand). Cytogenetic location: 15q21.1.
Variant type: single nucleotide variant.
Coding change: c.503G>A on transcript NM_000138.5 (MANE Select); coding-DNA position 503, G replaced by A.
Protein change: p.Cys168Tyr; replaces cysteine 168 with tyrosine.
Molecular consequence: missense variant.
Genome position (GRCh38, 1-based): chr15:48,596,318, C>T on the plus strand (G>A on the coding strand, the complement: FBN1 is on the minus strand). VCF-style: chr15-48596318-C-T. GRCh37 (hg19) VCF-style: chr15-48888515-C-T.
Other names: short protein forms C168Y.
Identifiers: ClinVar variation 812041 (VCV000812041.18), dbSNP rs1555404803, ClinGen allele CA392446297.